The following is an entry in ClinVar:

ClinVar aggregate classification (germline): Uncertain significance. Review status: criteria provided, multiple submitters, no conflicts (2 of 4 stars). 2 submissions from 2 submitters: Uncertain significance (2). Last evaluated 2025-07-29.

Allele frequency attached by ClinVar (database versions not stated): TOPMed 0.00003; gnomAD exomes below 0.00001.
gnomAD v4.1: 2 of 1,599,984 alleles (0.00013%); highest among the groups gnomAD compares: African/African-American, 0.0027%; no homozygotes.

Submissions (2):

Labcorp Genetics (formerly Invitae), Labcorp
Classification: Uncertain significance. Last evaluated: 2025-07-29. Review status: criteria provided, single submitter. Criteria: Invitae Variant Classification Sherloc (09022015). Collection method: clinical testing. Allele origin: germline.
Comment: This sequence change replaces tyrosine, which is neutral and polar, with serine, which is neutral and polar, at codon 4 of the ATP5E protein (p.Tyr4Ser). This variant is not present in population databases (gnomAD no frequency). This variant has not been reported in the literature in individuals affected with ATP5E-related conditions. ClinVar contains an entry for this variant (Variation ID: 214130). An algorithm developed to predict the effect of missense changes on protein structure and function (PolyPhen-2) suggests that this variant is likely to be disruptive. In summary, the available evidence is currently insufficient to determine the role of this variant in disease. Therefore, it has been classified as a Variant of Uncertain Significance.

GeneDx
Classification: Uncertain significance. Last evaluated: 2014-07-16. Review status: criteria provided, single submitter. Criteria: GeneDx Variant Classification (06012015). Collection method: clinical testing. Allele origin: germline. Affected: yes.
Comment: p.Tyr4Ser (TAC>TCC): c.11 A>C in exon 1 of the ATP5E gene (NM_006886.2). The Y4S variant has not been published as a mutation, nor has it been reported as a benign polymorphism to our knowledge. The Y4S variant is a semi-conservative amino acid substitution, which may impact secondary protein structure as these residues differ in some properties. This substitution occurs at a position that is conserved across species. In silico analysis predicts this variant likely does not alter the protein structure/function. Therefore, based on the currently available information, it is unclear whether this variant is a pathogenic mutation or a rare benign variant. The variant is found in LAPDH-MITOP panel(s).

NM_006886.4(ATP5F1E):c.11A>C (p.Tyr4Ser)

Genes: SLMO2-ATP5E (SLMO2-ATP5E readthrough; minus strand), ATP5F1E (ATP synthase F1 subunit epsilon; minus strand), LOC130066277 (ATAC-STARR-seq lymphoblastoid active region 18187; plus strand). Cytogenetic location: 20q13.32.
Variant type: single nucleotide variant.
Coding change: c.11A>C on transcript NM_006886.4 (MANE Select); coding-DNA position 11, A replaced by C.
Protein change: p.Tyr4Ser; replaces tyrosine 4 with serine.
Molecular consequence: missense variant.
Genome position (GRCh38, 1-based): chr20:59,032,241, T>G on the plus strand (A>C on the coding strand, the complement: ATP5F1E is on the minus strand). VCF-style: chr20-59032241-T-G. GRCh37 (hg19) VCF-style: chr20-57607296-T-G.
Other names: p.Y4S:TAC>TCC; short protein forms Y4S.
Identifiers: ClinVar variation 214130 (VCV000214130.7), dbSNP rs373113507, ClinGen allele CA323118.